The following is an entry in ClinVar:

NM_014639.4(SKIC3):c.4310G>T (p.Ser1437Ile)

Gene: SKIC3 (SKI3 subunit of superkiller complex; minus strand). Cytogenetic location: 5q15.
Variant type: single nucleotide variant.
Coding change: c.4310G>T on transcript NM_014639.4 (MANE Select); coding-DNA position 4310, G replaced by T.
Protein change: p.Ser1437Ile; replaces serine 1437 with isoleucine.
Molecular consequence: missense variant.
Genome position (GRCh38, 1-based): chr5:95,478,345, C>A on the plus strand (G>T on the coding strand, the complement: SKIC3 is on the minus strand). VCF-style: chr5-95478345-C-A. GRCh37 (hg19) VCF-style: chr5-94814049-C-A.
Other names: short protein forms S1437I.
Identifiers: ClinVar variation 626193 (VCV000626193.12), dbSNP rs755895621, ClinGen allele CA3346433.
Genomic context (GRCh38, chr5:95,478,345, plus strand): 5'-CTTACCATACAGACTTTTAATGCAAGTAGTGCTAGTCTCAACAGACTTGAGAGCTTCCCA[C>A]TCCAACTGCCCCGTTGGGATGCCAATTGTAGACTCTTTCTGTAACACATCTCTGCAGCTC-3'
Protein context (NP_055454.1, residues 1427-1447): LQLASQRGSW[Ser1437Ile]GKLSSLLRLA

ClinVar aggregate classification (germline): Conflicting classifications of pathogenicity. Review status: criteria provided, conflicting classifications (1 of 4 stars). 3 submissions from 3 submitters: Uncertain significance (2); Likely benign (1). Last evaluated 2025-04-13.

Conditions:
Trichohepatoenteric syndrome 1 (THES1). Also called: DIARRHEA, FATAL INFANTILE, WITH TRICHORRHEXIS NODOSA. Identifiers: Orphanet 84064, MedGen C4551982, MONDO:0024541, OMIM 222470.

Allele frequency attached by ClinVar (database versions not stated): gnomAD below 0.00001 and 0.00006; TOPMed below 0.00001; gnomAD exomes 0.00013 and 0.00025; ExAC 0.00028.
gnomAD v4.1: 199 of 1,613,912 alleles (0.012%); highest among the groups gnomAD compares: South Asian, 0.21%; 3 homozygotes.

Submissions (3):

Labcorp Genetics (formerly Invitae), Labcorp
Classification: Likely benign. Last evaluated: 2025-04-13. Review status: criteria provided, single submitter. Criteria: Invitae Variant Classification Sherloc (09022015). Collection method: clinical testing. Allele origin: germline.

Center for Genomics, Ann and Robert H. Lurie Children's Hospital of Chicago
Classification: Uncertain significance. Last evaluated: 2021-03-30. Review status: criteria provided, single submitter. Criteria: ACMG Guidelines, 2015. Collection method: clinical testing. Allele origin: germline.
Comment: TTC37 NM_014639.3 exon 40 p.Ser1437Ile (c.4310G>T): This variant has not been reported in the literature but is present in 0.2% (60/3778) of South Asian alleles, including 1 homozygote, in the Genome Aggregation Database. Evolutionary conservation and computational predictive tools for this variant are unclear. In summary, data on this variant is insufficient for disease classification. Therefore, the clinical significance of this variant is uncertain.

Baylor Genetics
Classification: Uncertain significance for Trichohepatoenteric syndrome 1. Last evaluated: 2020-02-18. Review status: criteria provided, single submitter. Criteria: ACMG Guidelines, 2015. Collection method: clinical testing. Allele origin: unknown. Affected: yes.
Comment: This variant was determined to be of uncertain significance according to ACMG Guidelines, 2015 [PMID:25741868].